The following is an entry in ClinVar:

NM_004993.6(ATXN3):c.883A>C (p.Lys295Gln)

Genes: ATXN3 (ataxin 3; minus strand), LOC108663987 (ataxin 3 repeat instability region; plus strand). Cytogenetic location: 14q32.12.
Variant type: single nucleotide variant.
Coding change: c.883A>C on transcript NM_004993.6 (MANE Select); coding-DNA position 883, A replaced by C.
Protein change: p.Lys295Gln; replaces lysine 295 with glutamine.
Molecular consequence: missense variant. On other transcripts: non-coding transcript variant (19).
Genome position (GRCh38, 1-based): chr14:92,071,043, T>G on the plus strand (A>C on the coding strand, the complement: ATXN3 is on the minus strand). VCF-style: chr14-92071043-T-G. GRCh37 (hg19) VCF-style: chr14-92537387-T-G.
Other names: c.838A>C, p.Lys280Gln (NM_001127696.2); c.730A>C, p.Lys244Gln (NM_001127697.3); c.200A>C, p.Lys67Thr (NM_001164774.2); c.245A>C, p.Lys82Thr (NM_001164776.2); c.80A>C, p.Lys27Thr (NM_001164777.2); c.398A>C, p.Lys133Thr (NM_001164778.2); c.520A>C, p.Lys174Gln (NM_001164779.2); c.346A>C, p.Lys116Gln (NM_001164780.2); and 3 more; short protein forms K295Q, K244Q, K280Q, K67T, K116Q, K133T, K174Q, K225Q.
Identifiers: ClinVar variation 128513 (VCV000128513.11), dbSNP rs12896588, ClinGen allele CA152010.

ClinVar aggregate classification (germline): Benign. Review status: criteria provided, multiple submitters, no conflicts (2 of 4 stars). 4 submissions from 4 submitters: Benign (2). 2 of the submissions do not count toward it. Last evaluated 2019-11-21.

Conditions:
ATXN3-related disorder. Also called: ATXN3-related condition.

Allele frequency attached by ClinVar (database versions not stated): gnomAD 0.02716; gnomAD exomes 0.23160; ExAC 0.33955.

Submissions (4):

GeneDx
Classification: Benign. Last evaluated: 2019-11-21. Review status: criteria provided, single submitter. Criteria: GeneDx Variant Classification Process June 2021. Collection method: clinical testing. Allele origin: germline. Affected: yes.

Breakthrough Genomics
Classification: Benign. Review status: criteria provided, single submitter. Criteria: ACMG Guidelines, 2015. Collection method: not provided. Allele origin: germline. Inheritance: Autosomal dominant inheritance. Affected: yes.

PreventionGenetics, part of Exact Sciences
Classification: Benign for ATXN3-related condition. Last evaluated: 2020-04-28. Review status: no assertion criteria provided. Collection method: clinical testing. Allele origin: germline. Not counted in ClinVar's aggregate classification.
Comment: This variant is classified as benign based on ACMG/AMP sequence variant interpretation guidelines (Richards et al. 2015 PMID: 25741868, with internal and published modifications).

Genetic Services Laboratory, University of Chicago
Classification: Likely benign for AllHighlyPenetrant. Review status: no assertion criteria provided. Collection method: clinical testing. Allele origin: germline. Inheritance: Autosomal dominant inheritance. Not counted in ClinVar's aggregate classification.
Comment: Likely benign based on allele frequency in 1000 Genomes Project or ESP global frequency and its presence in a patient with a rare or unrelated disease phenotype. NOT Sanger confirmed.